The following is an entry in ClinVar:

ClinVar aggregate classification (germline): Conflicting classifications of pathogenicity. Review status: criteria provided, conflicting classifications (1 of 4 stars). 4 submissions from 4 submitters: Uncertain significance (2); Benign (1); Likely benign (1). Last evaluated 2026-02-01.

Conditions:
Inborn genetic diseases. Identifiers: MedGen C0950123, MeSH D030342.
NBAS-related disorder. Also called: NBAS-related condition.

Allele frequency attached by ClinVar (database versions not stated): ESP Exome Variant Server 0.00046; gnomAD 0.00054 and 0.00059; TOPMed 0.00063; 1000 Genomes Project 30x 0.00031; 1000 Genomes Project 0.00040.
gnomAD v4.1: 181 of 1,614,140 alleles (0.011%); highest among the groups gnomAD compares: African/African-American, 0.17%; no homozygotes.

Submissions (4):

Labcorp Genetics (formerly Invitae), Labcorp
Classification: Benign. Last evaluated: 2026-02-01. Review status: criteria provided, single submitter. Criteria: Invitae Variant Classification Sherloc (09022015). Collection method: clinical testing. Allele origin: germline.

PreventionGenetics, part of Exact Sciences
Classification: Likely benign for NBAS-related condition. Last evaluated: 2025-04-04. Review status: criteria provided, single submitter. Criteria: ACMG Guidelines, 2015. Collection method: clinical testing. Allele origin: germline.
Comment: This variant is classified as likely benign based on ACMG/AMP sequence variant interpretation guidelines (Richards et al. 2015 PMID: 25741868, with internal and published modifications).

Ambry Genetics
Classification: Uncertain significance for Inborn genetic diseases. Last evaluated: 2021-09-01. Review status: criteria provided, single submitter. Criteria: Ambry Variant Classification Scheme 2023. Collection method: clinical testing. Allele origin: germline.

Breakthrough Genomics
Classification: Uncertain significance. Review status: criteria provided, single submitter. Criteria: ACMG Guidelines, 2015. Collection method: not provided. Allele origin: germline. Inheritance: Autosomal recessive inheritance. Affected: yes.

NM_015909.4(NBAS):c.392C>T (p.Pro131Leu)

Gene: NBAS (NBAS subunit of NRZ tethering complex; minus strand). Cytogenetic location: 2p24.3.
Variant type: single nucleotide variant.
Coding change: c.392C>T on transcript NM_015909.4 (MANE Select); coding-DNA position 392, C replaced by T.
Protein change: p.Pro131Leu; replaces proline 131 with leucine.
Molecular consequence: missense variant. On other transcripts: non-coding transcript variant (1).
Genome position (GRCh38, 1-based): chr2:15,539,344, G>A on the plus strand (C>T on the coding strand, the complement: NBAS is on the minus strand). VCF-style: chr2-15539344-G-A. GRCh37 (hg19) VCF-style: chr2-15679468-G-A.
Other names: c.392C>T (NM_015909.3, NM_015909.2); short protein forms P131L.
Identifiers: ClinVar variation 1023983 (VCV001023983.10), dbSNP rs114603112, ClinGen allele CA1537062.
Genomic context (GRCh38, chr2:15,539,344, plus strand): 5'-TCGGCATAGGCCAGTAGGGTACAATCGTAACTCCATGCTACCCGTCTCCACTGGGGTTTC[G>A]GGTCTTTCGGAACTAGAACAAAAGAAAACAAGAGGTGCTTCTAACAATATATTACAAAGA-3'
Protein context (NP_056993.2, residues 121-141): IIGKCQVPKD[Pro131Leu]KPQWRRVAWS